The following is an entry in ClinVar:

NM_000492.4(CFTR):c.560A>G (p.Asn187Ser)

Gene: CFTR (CF transmembrane conductance regulator; plus strand). Cytogenetic location: 7q31.2.
Variant type: single nucleotide variant.
Coding change: c.560A>G on transcript NM_000492.4 (MANE Select); coding-DNA position 560, A replaced by G.
Protein change: p.Asn187Ser; replaces asparagine 187 with serine.
Molecular consequence: missense variant.
Genome position (GRCh38, 1-based): chr7:117,534,346, A>G. VCF-style: chr7-117534346-A-G. GRCh37 (hg19) VCF-style: chr7-117174400-A-G.
Other names: short protein forms N187S.
Identifiers: ClinVar variation 1748613 (VCV001748613.3), dbSNP rs2485014648, ClinGen allele CA368976543.

ClinVar aggregate classification (germline): Uncertain significance. Review status: criteria provided, multiple submitters, no conflicts (2 of 4 stars). 2 submissions from 2 submitters: Uncertain significance (2). Last evaluated 2023-08-28.

Conditions:
Cystic fibrosis (CF). Also called: MUCOVISCIDOSIS. Identifiers: Orphanet 586, MedGen C0010674, MONDO:0009061, OMIM 219700. Disease mechanism: loss of function.

gnomAD v4.1: 2 of 1,583,030 alleles (0.00013%); highest among the groups gnomAD compares: African/African-American, 0.0013%; no homozygotes.

Submissions (2):

Women's Health and Genetics/Laboratory Corporation of America, LabCorp
Classification: Uncertain significance. Last evaluated: 2023-08-28. Review status: criteria provided, single submitter. Criteria: LabCorp Variant Classification Summary - May 2015. Collection method: clinical testing. Allele origin: germline.

Ambry Genetics
Classification: Uncertain significance for Cystic fibrosis. Last evaluated: 2021-08-09. Review status: criteria provided, single submitter. Criteria: Ambry Variant Classification Scheme 2023. Collection method: clinical testing. Allele origin: germline.
Comment: The p.N187S variant (also known as c.560A>G), located in coding exon 5 of the CFTR gene, results from an A to G substitution at nucleotide position 560. The asparagine at codon 187 is replaced by serine, an amino acid with highly similar properties. This amino acid position is conserved. In addition, the in silico prediction for this alteration is inconclusive. Since supporting evidence is limited at this time, the clinical significance of this alteration remains unclear.